The following is an entry in ClinVar:

NM_199355.4(ADAMTS18):c.2640C>G (p.Ile880Met)

Gene: ADAMTS18 (ADAM metallopeptidase with thrombospondin type 1 motif 18; minus strand). Cytogenetic location: 16q23.1.
Variant type: single nucleotide variant.
Coding change: c.2640C>G on transcript NM_199355.4 (MANE Select); coding-DNA position 2640, C replaced by G.
Protein change: p.Ile880Met; replaces isoleucine 880 with methionine.
Molecular consequence: missense variant.
Genome position (GRCh38, 1-based): chr16:77,300,297, G>C on the plus strand (C>G on the coding strand, the complement: ADAMTS18 is on the minus strand). VCF-style: chr16-77300297-G-C. GRCh37 (hg19) VCF-style: chr16-77334194-G-C.
Other names: c.2124C>G, p.Ile708Met (NM_001326358.2); c.2640C>G (NM_199355.2); short protein forms I708M, I880M.
Identifiers: ClinVar variation 1046702 (VCV001046702.6), dbSNP rs148705153, ClinGen allele CA8180809.
Genomic context (GRCh38, chr16:77,300,297, plus strand): 5'-GGAGACAGAATGAGAAAATCATCTACCTCCACCACAGGAGACGGAGCACTCTGACTGCAC[G>C]ATACTCCAGGTATAGGCAGGTCTTTTTGTGGCTGGTGGAGTTCCATTCATGACCTTGGGA-3'
Protein context (NP_955387.1, residues 870-890): ATKRPAYTWS[Ile880Met]VQSECSVSCG

ClinVar aggregate classification (germline): Uncertain significance. Review status: criteria provided, multiple submitters, no conflicts (2 of 4 stars). 2 submissions from 2 submitters: Uncertain significance (2). Last evaluated 2025-06-03.

Conditions:
Inborn genetic diseases. Identifiers: MedGen C0950123, MeSH D030342.

Allele frequency attached by ClinVar (database versions not stated): gnomAD 0.00005; ESP Exome Variant Server 0.00008; TOPMed 0.00009.
gnomAD v4.1: 15 of 1,613,984 alleles (0.00093%); highest among the groups gnomAD compares: African/African-American, 0.016%; no homozygotes.

Submissions (2):

Ambry Genetics
Classification: Uncertain significance for Inborn genetic diseases. Last evaluated: 2025-06-03. Review status: criteria provided, single submitter. Criteria: Ambry Variant Classification Scheme 2023. Collection method: clinical testing. Allele origin: germline.

Labcorp Genetics (formerly Invitae), Labcorp
Classification: Uncertain significance. Last evaluated: 2025-03-31. Review status: criteria provided, single submitter. Criteria: Invitae Variant Classification Sherloc (09022015). Collection method: clinical testing. Allele origin: germline.
Comment: This sequence change replaces isoleucine with methionine at codon 880 of the ADAMTS18 protein (p.Ile880Met). The isoleucine residue is weakly conserved and there is a small physicochemical difference between isoleucine and methionine. This variant is present in population databases (rs148705153, gnomAD 0.02%). This variant has not been reported in the literature in individuals affected with ADAMTS18-related conditions. ClinVar contains an entry for this variant (Variation ID: 1046702). An algorithm developed to predict the effect of missense changes on protein structure and function (PolyPhen-2) suggests that this variant is likely to be tolerated. In summary, the available evidence is currently insufficient to determine the role of this variant in disease. Therefore, it has been classified as a Variant of Uncertain Significance.